The following is an entry in ClinVar:

NM_030973.4(MED25):c.618G>A (p.Pro206=)

Gene: MED25 (mediator complex subunit 25; plus strand). Cytogenetic location: 19q13.33.
Variant type: single nucleotide variant.
Coding change: c.618G>A on transcript NM_030973.4 (MANE Select); coding-DNA position 618, G replaced by A.
Protein change: p.Pro206=; no amino-acid change (proline 206 retained).
Molecular consequence: synonymous variant.
Genome position (GRCh38, 1-based): chr19:49,829,878, G>A. VCF-style: chr19-49829878-G-A. GRCh37 (hg19) VCF-style: chr19-50333135-G-A.
Other names: c.618G>A, p.Pro206= (NM_001378355.1).
Identifiers: ClinVar variation 1139592 (VCV001139592.27), dbSNP rs772693264, ClinGen allele CA9584935.
Genomic context (GRCh38, chr19:49,829,878, plus strand): 5'-GAAGCTGCCTGCGCTTCGGCTTCTGTTTGAGAAGGCAGCCCCCCCGGCCTTGCTGGAGCC[G>A]CTGCAGCCTCCGACAGATGTGAGCCAGGACCCGAGGCACATGGTGCTGGTTCGGGGACTC-3'
Protein context (NP_112235.2, residues 196-216): EKAAPPALLE[Pro206=]LQPPTDVSQD

ClinVar aggregate classification (germline): Likely benign. Review status: criteria provided, multiple submitters, no conflicts (2 of 4 stars). 2 submissions from 2 submitters: Likely benign (2). Last evaluated 2024-06-01.

Conditions:
Charcot-Marie-Tooth disease type 2. Also called: Charcot-Marie-Tooth type 2. Identifiers: Orphanet 64746, MedGen C0270914, MONDO:0018993.

Allele frequency attached by ClinVar (database versions not stated): gnomAD exomes 0.00001 and 0.00002; TOPMed 0.00001; ExAC 0.00003.
gnomAD v4.1: 21 of 1,612,834 alleles (0.0013%); highest among the groups gnomAD compares: South Asian, 0.0033%; no homozygotes.

Submissions (2):

CeGaT Center for Human Genetics Tuebingen
Classification: Likely benign. Last evaluated: 2024-06-01. Review status: criteria provided, single submitter. Criteria: CeGaT Center For Human Genetics Tuebingen Variant Classification Criteria Version 2. Collection method: clinical testing. Allele origin: germline. Affected: yes. Observed: 1 variant allele.
Comment: MED25: BP4, BP7

Labcorp Genetics (formerly Invitae), Labcorp
Classification: Likely benign for Charcot-Marie-Tooth disease type 2. Last evaluated: 2021-05-03. Review status: criteria provided, single submitter. Criteria: Invitae Variant Classification Sherloc (09022015). Collection method: clinical testing. Allele origin: germline.